The following is an entry in ClinVar:

NM_000477.7(ALB):c.800C>T (p.Thr267Met)

Gene: ALB (albumin; plus strand). Cytogenetic location: 4q13.3.
Variant type: single nucleotide variant.
Coding change: c.800C>T on transcript NM_000477.7 (MANE Select); coding-DNA position 800, C replaced by T.
Protein change: p.Thr267Met; replaces threonine 267 with methionine.
Molecular consequence: missense variant.
Genome position (GRCh38, 1-based): chr4:73,412,082, C>T. VCF-style: chr4-73412082-C-T. GRCh37 (hg19) VCF-style: chr4-74277799-C-T.
Other names: short protein forms T267M.
Identifiers: ClinVar variation 2987199 (VCV002987199.3), dbSNP rs774958805, ClinGen allele CA2959458.
Genomic context (GRCh38, chr4:73,412,082, plus strand): 5'-TTCCCAAAGCTGAGTTTGCAGAAGTTTCCAAGTTAGTGACAGATCTTACCAAAGTCCACA[C>T]GGAATGCTGCCATGGAGATCTGCTTGAATGTGCTGATGACAGGGTAAAGAGTCGTCGATA-3'
Protein context (NP_000468.1, residues 257-277): KLVTDLTKVH[Thr267Met]ECCHGDLLEC

ClinVar aggregate classification (germline): Uncertain significance (1 of 4 stars; one submission).

Allele frequency attached by ClinVar (database versions not stated): ExAC 0.00002; gnomAD 0.00001.

Submission:

Labcorp Genetics (formerly Invitae), Labcorp
Classification: Uncertain significance. Last evaluated: 2025-06-27. Review status: criteria provided, single submitter. Criteria: Invitae Variant Classification Sherloc (09022015). Collection method: clinical testing. Allele origin: germline.
Comment: This sequence change replaces threonine, which is neutral and polar, with methionine, which is neutral and non-polar, at codon 267 of the ALB protein (p.Thr267Met). This variant is present in population databases (rs774958805, gnomAD 0.006%). This variant has not been reported in the literature in individuals affected with ALB-related conditions. ClinVar contains an entry for this variant (Variation ID: 2987199). Invitae Evidence Modeling of protein sequence and biophysical properties (such as structural, functional, and spatial information, amino acid conservation, physicochemical variation, residue mobility, and thermodynamic stability) indicates that this missense variant is not expected to disrupt ALB protein function with a negative predictive value of 80%. In summary, the available evidence is currently insufficient to determine the role of this variant in disease. Therefore, it has been classified as a Variant of Uncertain Significance.